The following is an entry in ClinVar:

ClinVar aggregate classification (germline): Conflicting classifications of pathogenicity. Review status: criteria provided, conflicting classifications (1 of 4 stars). 6 submissions from 6 submitters: Pathogenic (3); Likely pathogenic (2); Uncertain significance (1). Last evaluated 2025-10-02.

Conditions:
Rare genetic deafness. Identifiers: Orphanet 96210, MedGen C5680250.
Monogenic hearing loss.
Autosomal recessive nonsyndromic hearing loss 30. Identifiers: Orphanet 90636, MedGen C1846784, MONDO:0011774, OMIM 607101.

Allele frequency attached by ClinVar (database versions not stated): gnomAD 0.00003; gnomAD exomes 0.00005 and 0.00009; ExAC 0.00012.

Submissions (6):

Genetics Laboratory, Great Ormond Street Hospital NHS Foundation Trust, North Thames Genomic Laboratory Hub
Classification: Pathogenic for Monogenic hearing loss. Last evaluated: 2025-10-02. Review status: criteria provided, single submitter. Criteria: ACGS Best Practice Guidelines for Variant Classification in Rare Disease 2024 v1.2. Collection method: clinical testing. Allele origin: germline. Affected: yes.
Comment: PM2_moderate, PVS1_very-strong, PM3_supporting

First Genomix Gene Laboratory, Genetic Diagnostics Department
Classification: Pathogenic for Autosomal recessive nonsyndromic hearing loss 30. Last evaluated: 2025-09-16. Review status: criteria provided, single submitter. Criteria: ACMG Guidelines, 2015. Collection method: clinical testing. Allele origin: germline. Inheritance: Autosomal recessive inheritance. Affected: no. Observed: 1 variant allele.

Labcorp Genetics (formerly Invitae), Labcorp
Classification: Pathogenic. Last evaluated: 2023-09-25. Review status: criteria provided, single submitter. Criteria: Invitae Variant Classification Sherloc (09022015). Collection method: clinical testing. Allele origin: germline.
Comment: For these reasons, this variant has been classified as Pathogenic. ClinVar contains an entry for this variant (Variation ID: 439958). This variant has not been reported in the literature in individuals affected with MYO3A-related conditions. This variant is present in population databases (rs777580042, gnomAD 0.07%). This sequence change creates a premature translational stop signal (p.Gly106Aspfs*3) in the MYO3A gene. It is expected to result in an absent or disrupted protein product. Loss-of-function variants in MYO3A are known to be pathogenic (PMID: 12032315, 23990876).

Laboratory for Molecular Medicine, Mass General Brigham Personalized Medicine
Classification: Likely pathogenic for Rare genetic deafness. Last evaluated: 2022-11-03. Review status: criteria provided, single submitter. Criteria: ACMG Guidelines, 2015. Collection method: clinical testing. Allele origin: germline.
Comment: The p.Gly106AspfsX3 variant in MYO3A has not been reported in individuals with nonsyndromic hearing loss and was reported in ClinVar (Variation ID 439958). It has been identified in 5/3046 South Asian chromosomes by gnomAD. This variant is predicted to cause a frameshift, which alters the protein’s amino acid sequence beginning at position 106 and leads to a premature termination codon 3 amino acids downstream. This alteration is then predicted to lead to a truncated or absent protein. Loss of function of the MYO3A gene is an established disease mechanism in autosomal recessive nonsyndromic hearing loss. In summary, although additional studies are required to fully establish its clinical significance, this variant meets criteria to be classified as likely pathogenic for autosomal recessive nonsyndromic hearing loss. ACMG/AMP Criteria applied: PM2_supporting, PVS1.

GeneDx
Classification: Uncertain significance. Last evaluated: 2021-06-21. Review status: criteria provided, single submitter. Criteria: GeneDx Variant Classification Process June 2021. Collection method: clinical testing. Allele origin: germline. Affected: yes.
Comment: Frameshift variant predicted to result in protein truncation or nonsense mediated decay in a gene for which loss-of-function is a known mechanism of disease; Has not been previously published as pathogenic or benign to our knowledge; This variant is associated with the following publications: (PMID: 27535533, 31589614)

ARUP Laboratories, Molecular Genetics and Genomics, ARUP Laboratories
Classification: Likely pathogenic. Last evaluated: 2017-02-02. Review status: criteria provided, single submitter. Criteria: ARUP Molecular Germline Variant Investigation Process. Collection method: clinical testing. Allele origin: germline.

Literature cited by the submitters: PubMed 12032315 (cited by Labcorp Genetics (formerly Invitae), Labcorp); PubMed 23990876 (cited by Labcorp Genetics (formerly Invitae), Labcorp).

NM_017433.5(MYO3A):c.315del (p.Gly106fs)

Gene: MYO3A (myosin IIIA; plus strand). Cytogenetic location: 10p12.1.
Variant type: Deletion.
Coding change: c.315del on transcript NM_017433.5 (MANE Select); coding-DNA position 315, one base deleted (A; older notation c.315delA).
Protein change: p.Gly106fs; shifts the reading frame from glycine 106.
Molecular consequence: frameshift variant.
Genome position (GRCh38, 1-based): chr10:25,996,501, A deleted. VCF-style (leftmost placement, unchanged base first): chr10-25996500-GA-G. GRCh37 (hg19) VCF-style: chr10-26285429-GA-G.
Other names: c.315del, p.Gly106fs (NM_001368265.1); short protein forms G106fs.
Identifiers: ClinVar variation 439958 (VCV000439958.17), dbSNP rs777580042, ClinGen allele CA5444271.